The following is an entry in ClinVar:

NM_201596.3(CACNB2):c.1574T>A (p.Val525Asp)

Gene: CACNB2 (calcium voltage-gated channel auxiliary subunit beta 2; plus strand). Cytogenetic location: 10p12.31.
Variant type: single nucleotide variant.
Coding change: c.1574T>A on transcript NM_201596.3 (MANE Select); coding-DNA position 1574, T replaced by A.
Protein change: p.Val525Asp; replaces valine 525 with aspartic acid.
Molecular consequence: missense variant.
Genome position (GRCh38, 1-based): chr10:18,539,315, T>A. VCF-style: chr10-18539315-T-A. GRCh37 (hg19) VCF-style: chr10-18828244-T-A.
Other names: c.1409T>A, p.Val470Asp (NM_000724.4); c.1376T>A, p.Val459Asp (NM_001167945.2); c.1295T>A, p.Val432Asp (NM_001330060.2); c.1316T>A, p.Val439Asp (NM_001410882.1); c.1430T>A, p.Val477Asp (NM_201570.3); c.1490T>A, p.Val497Asp (NM_201571.4); c.1418T>A, p.Val473Asp (NM_201572.4); c.1412T>A, p.Val471Asp (NM_201590.3); and 2 more; short protein forms V432D, V439D, V459D, V470D, V471D, V473D, V477D, V487D.
Identifiers: ClinVar variation 1718749 (VCV001718749.5), dbSNP rs1422235971, ClinGen allele CA376071358.
Genomic context (GRCh38, chr10:18,539,315, plus strand): 5'-ATCGCTCCGCTCCTATCCGTTCTGCTTCCCAAGCTGAAGAAGAACCTAGTGTGGAACCAG[T>A]CAAGAAATCCCAGCACCGCTCTTCCTCCTCAGCCCCACACCACAACCATCGCAGTGGGAC-3'
Protein context (NP_963890.2, residues 515-535): QAEEEPSVEP[Val525Asp]KKSQHRSSSS

ClinVar aggregate classification (germline): Uncertain significance (1 of 4 stars; one submission).

Conditions:
Brugada syndrome 4 (BRGDA4). Identifiers: Orphanet 130, MedGen C2678477, MONDO:0012743, OMIM 611876.

Submission:

Labcorp Genetics (formerly Invitae), Labcorp
Classification: Uncertain significance for Brugada syndrome 4. Last evaluated: 2022-09-03. Review status: criteria provided, single submitter. Criteria: Invitae Variant Classification Sherloc (09022015). Collection method: clinical testing. Allele origin: germline.
Comment: In summary, the available evidence is currently insufficient to determine the role of this variant in disease. Therefore, it has been classified as a Variant of Uncertain Significance. Algorithms developed to predict the effect of missense changes on protein structure and function (SIFT, PolyPhen-2, Align-GVGD) all suggest that this variant is likely to be tolerated. This variant has not been reported in the literature in individuals affected with CACNB2-related conditions. This variant is not present in population databases (gnomAD no frequency). This sequence change replaces valine, which is neutral and non-polar, with aspartic acid, which is acidic and polar, at codon 471 of the CACNB2 protein (p.Val471Asp).